The following is an entry in ClinVar:

ClinVar aggregate classification (germline): Uncertain significance (1 of 4 stars; one submission).

Submission:

Labcorp Genetics (formerly Invitae), Labcorp
Classification: Uncertain significance. Last evaluated: 2022-04-23. Review status: criteria provided, single submitter. Criteria: Invitae Variant Classification Sherloc (09022015). Collection method: clinical testing. Allele origin: germline.
Comment: This variant has not been reported in the literature in individuals affected with UNC80-related conditions. This variant is not present in population databases (gnomAD no frequency). This sequence change replaces serine, which is neutral and polar, with proline, which is neutral and non-polar, at codon 3154 of the UNC80 protein (p.Ser3154Pro). Algorithms developed to predict the effect of missense changes on protein structure and function are either unavailable or do not agree on the potential impact of this missense change (SIFT: "Not Available"; PolyPhen-2: "Possibly Damaging"; Align-GVGD: "Not Available"). In summary, the available evidence is currently insufficient to determine the role of this variant in disease. Therefore, it has been classified as a Variant of Uncertain Significance.

NM_001371986.1(UNC80):c.9658T>C (p.Ser3220Pro)

Gene: UNC80 (unc-80 homolog, NALCN channel complex subunit; plus strand). Cytogenetic location: 2q34.
Variant type: single nucleotide variant.
Coding change: c.9658T>C on transcript NM_001371986.1 (MANE Select); coding-DNA position 9658, T replaced by C.
Protein change: p.Ser3220Pro; replaces serine 3220 with proline.
Molecular consequence: missense variant.
Genome position (GRCh38, 1-based): chr2:209,994,214, T>C. VCF-style: chr2-209994214-T-C. GRCh37 (hg19) VCF-style: chr2-210858938-T-C.
Other names: c.9460T>C, p.Ser3154Pro (NM_032504.2); c.9388T>C, p.Ser3130Pro (NM_182587.4); short protein forms S3130P, S3220P, S3154P.
Identifiers: ClinVar variation 1951216 (VCV001951216.3), dbSNP rs2471268474, ClinGen allele CA350415997.